The following is an entry in ClinVar:

NM_006514.4(SCN10A):c.4612G>A (p.Gly1538Ser)

Gene: SCN10A (sodium voltage-gated channel alpha subunit 10; minus strand). Cytogenetic location: 3p22.2.
Variant type: single nucleotide variant.
Coding change: c.4612G>A on transcript NM_006514.4 (MANE Select); coding-DNA position 4612, G replaced by A.
Protein change: p.Gly1538Ser; replaces glycine 1538 with serine.
Molecular consequence: missense variant.
Genome position (GRCh38, 1-based): chr3:38,701,884, C>T on the plus strand (G>A on the coding strand, the complement: SCN10A is on the minus strand). VCF-style: chr3-38701884-C-T. GRCh37 (hg19) VCF-style: chr3-38743375-C-T.
Other names: c.4609G>A, p.Gly1537Ser (NM_001293306.2); c.4318G>A, p.Gly1440Ser (NM_001293307.2); short protein forms G1537S, G1538S, G1440S.
Identifiers: ClinVar variation 1741906 (VCV001741906.2), dbSNP rs2470564473, ClinGen allele CA352145787.

ClinVar aggregate classification (germline): Uncertain significance (1 of 4 stars; one submission).

Conditions:
Cardiovascular phenotype. Identifiers: MedGen CN230736.

Allele frequency attached by ClinVar (database versions not stated): gnomAD exomes below 0.00001.
gnomAD v4.1: 1 of 1,613,722 alleles (0.000062%); highest among the groups gnomAD compares: Non-Finnish European, 0.000085%; no homozygotes.

Submission:

Ambry Genetics
Classification: Uncertain significance for Cardiovascular phenotype. Last evaluated: 2022-06-27. Review status: criteria provided, single submitter. Criteria: Ambry Variant Classification Scheme 2023. Collection method: clinical testing. Allele origin: germline.
Comment: The p.G1538S variant (also known as c.4612G>A), located in coding exon 26 of the SCN10A gene, results from a G to A substitution at nucleotide position 4612. The glycine at codon 1538 is replaced by serine, an amino acid with similar properties. This amino acid position is conserved. In addition, this alteration is predicted to be deleterious by in silico analysis. Since supporting evidence is limited at this time, the clinical significance of this alteration remains unclear.